The following is an entry in ClinVar:

ClinVar aggregate classification (germline): Uncertain significance (1 of 4 stars; one submission).

Allele frequency attached by ClinVar (database versions not stated): gnomAD 0.00002; gnomAD exomes 0.00002; ExAC 0.00004; TOPMed 0.00004; 1000 Genomes Project 30x 0.00016; 1000 Genomes Project 0.00020.
gnomAD v4.1: 35 of 1,614,194 alleles (0.0022%); highest among the groups gnomAD compares: East Asian, 0.016%; no homozygotes.

Submission:

Labcorp Genetics (formerly Invitae), Labcorp
Classification: Uncertain significance. Last evaluated: 2025-06-12. Review status: criteria provided, single submitter. Criteria: Invitae Variant Classification Sherloc (09022015). Collection method: clinical testing. Allele origin: germline.
Comment: This sequence change replaces arginine, which is basic and polar, with cysteine, which is neutral and slightly polar, at codon 148 of the REN protein (p.Arg148Cys). This variant is present in population databases (rs191049685, gnomAD 0.02%). This variant has not been reported in the literature in individuals affected with REN-related conditions. ClinVar contains an entry for this variant (Variation ID: 1904098). Invitae Evidence Modeling of protein sequence and biophysical properties (such as structural, functional, and spatial information, amino acid conservation, physicochemical variation, residue mobility, and thermodynamic stability) indicates that this missense variant is not expected to disrupt REN protein function with a negative predictive value of 80%. In summary, the available evidence is currently insufficient to determine the role of this variant in disease. Therefore, it has been classified as a Variant of Uncertain Significance.

NM_000537.4(REN):c.442C>T (p.Arg148Cys)

Gene: REN (renin; minus strand). Cytogenetic location: 1q32.1.
Variant type: single nucleotide variant.
Coding change: c.442C>T on transcript NM_000537.4 (MANE Select); coding-DNA position 442, C replaced by T.
Protein change: p.Arg148Cys; replaces arginine 148 with cysteine.
Molecular consequence: missense variant.
Genome position (GRCh38, 1-based): chr1:204,160,610, G>A on the plus strand (C>T on the coding strand, the complement: REN is on the minus strand). VCF-style: chr1-204160610-G-A. GRCh37 (hg19) VCF-style: chr1-204129738-G-A.
Other names: short protein forms R148C.
Identifiers: ClinVar variation 1904098 (VCV001904098.5), dbSNP rs191049685, ClinGen allele CA1344937.